The following is an entry in ClinVar:

NM_032221.5(CHD6):c.3888G>A (p.Arg1296=)

Gene: CHD6 (chromodomain helicase DNA binding protein 6; minus strand). Cytogenetic location: 20q12.
Variant type: single nucleotide variant.
Coding change: c.3888G>A on transcript NM_032221.5 (MANE Select); coding-DNA position 3888, G replaced by A.
Protein change: p.Arg1296=; no amino-acid change (arginine 1296 retained).
Molecular consequence: synonymous variant.
Genome position (GRCh38, 1-based): chr20:41,440,119, C>T on the plus strand (G>A on the coding strand, the complement: CHD6 is on the minus strand). VCF-style: chr20-41440119-C-T. GRCh37 (hg19) VCF-style: chr20-40068759-C-T.
Identifiers: ClinVar variation 4872077 (VCV004872077.2).

ClinVar aggregate classification (germline): Likely benign (1 of 4 stars; one submission).

gnomAD v4.1: 2,212 of 1,613,932 alleles (0.14%); highest among the groups gnomAD compares: Non-Finnish European, 0.17%; 3 homozygotes.

Submission:

CeGaT Center for Human Genetics Tuebingen
Classification: Likely benign. Last evaluated: 2026-06-01. Review status: criteria provided, single submitter. Criteria: CeGaT Center For Human Genetics Tuebingen Variant Classification Criteria Version 2. Collection method: clinical testing. Allele origin: germline. Affected: yes. Observed: 1 variant allele.
Comment: CHD6: BP4, BP7